The following is an entry in ClinVar:

NM_145725.3(TRAF3):c.1021C>T (p.Arg341Trp)

Gene: TRAF3 (TNF receptor associated factor 3; plus strand). Cytogenetic location: 14q32.32.
Variant type: single nucleotide variant.
Coding change: c.1021C>T on transcript NM_145725.3 (MANE Select); coding-DNA position 1021, C replaced by T.
Protein change: p.Arg341Trp; replaces arginine 341 with tryptophan.
Molecular consequence: missense variant.
Genome position (GRCh38, 1-based): chr14:102,903,315, C>T. VCF-style: chr14-102903315-C-T. GRCh37 (hg19) VCF-style: chr14-103369652-C-T.
Other names: c.772C>T, p.Arg258Trp (NM_001199427.2); c.880C>T, p.Arg294Trp (NM_001385142.1); c.940C>T, p.Arg314Trp (NM_001385143.1); c.1021C>T, p.Arg341Trp (NM_003300.4); c.946C>T, p.Arg316Trp (NM_145726.3); short protein forms R258W, R341W, R316W, R294W, R314W.
Identifiers: ClinVar variation 642995 (VCV000642995.10), dbSNP rs530010854, ClinGen allele CA7359485.

ClinVar aggregate classification (germline): Uncertain significance. Review status: criteria provided, multiple submitters, no conflicts (2 of 4 stars). 2 submissions from 2 submitters: Uncertain significance (2). Last evaluated 2025-09-23.

Conditions:
Immunodeficiency 132A. Also called: Herpes simplex encephalitis, susceptibility to, 3. Identifiers: Orphanet 1930, MedGen C3553868, MONDO:0013920, OMIM 614849.

Allele frequency attached by ClinVar (database versions not stated): ExAC 0.00002; gnomAD exomes 0.00005 and 0.00004; gnomAD 0.00008 and 0.00009; TOPMed 0.00009; 1000 Genomes Project 30x 0.00016; 1000 Genomes Project 0.00020.
gnomAD v4.1: 85 of 1,614,172 alleles (0.0053%); highest among the groups gnomAD compares: African/African-American, 0.025%; no homozygotes.

Submissions (2):

Labcorp Genetics (formerly Invitae), Labcorp
Classification: Uncertain significance for Immunodeficiency 132A. Last evaluated: 2025-09-23. Review status: criteria provided, single submitter. Criteria: Invitae Variant Classification Sherloc (09022015). Collection method: clinical testing. Allele origin: germline.
Comment: This sequence change replaces arginine, which is basic and polar, with tryptophan, which is neutral and slightly polar, at codon 341 of the TRAF3 protein (p.Arg341Trp). This variant is present in population databases (rs530010854, gnomAD 0.02%). This variant has not been reported in the literature in individuals affected with TRAF3-related conditions. ClinVar contains an entry for this variant (Variation ID: 642995). An algorithm developed to predict the effect of missense changes on protein structure and function (PolyPhen-2) suggests that this variant is likely to be disruptive. In summary, the available evidence is currently insufficient to determine the role of this variant in disease. Therefore, it has been classified as a Variant of Uncertain Significance.

Ambry Genetics
Classification: Uncertain significance. Last evaluated: 2024-05-13. Review status: criteria provided, single submitter. Criteria: Ambry Variant Classification Scheme 2023. Collection method: clinical testing. Allele origin: germline.